The following is an entry in ClinVar:

ClinVar aggregate classification (germline): Uncertain significance (1 of 4 stars; one submission).

Conditions:
Immunodeficiency 39 (IMD39). Identifiers: Orphanet 574918, MedGen C4225358, MONDO:0014597, OMIM 616345.

Allele frequency attached by ClinVar (database versions not stated): TOPMed below 0.00001.

Submission:

Labcorp Genetics (formerly Invitae), Labcorp
Classification: Uncertain significance for Immunodeficiency 39. Last evaluated: 2024-11-05. Review status: criteria provided, single submitter. Criteria: Invitae Variant Classification Sherloc (09022015). Collection method: clinical testing. Allele origin: germline.
Comment: This sequence change replaces proline, which is neutral and non-polar, with threonine, which is neutral and polar, at codon 157 of the IRF7 protein (p.Pro157Thr). The frequency data for this variant in the population databases is considered unreliable, as metrics indicate poor data quality at this position in the gnomAD database. This variant has not been reported in the literature in individuals affected with IRF7-related conditions. ClinVar contains an entry for this variant (Variation ID: 2159164). Invitae Evidence Modeling of protein sequence and biophysical properties (such as structural, functional, and spatial information, amino acid conservation, physicochemical variation, residue mobility, and thermodynamic stability) indicates that this missense variant is not expected to disrupt IRF7 protein function with a negative predictive value of 80%. In summary, the available evidence is currently insufficient to determine the role of this variant in disease. Therefore, it has been classified as a Variant of Uncertain Significance.

NM_001572.5(IRF7):c.430C>A (p.Pro144Thr)

Gene: IRF7 (interferon regulatory factor 7; minus strand). Cytogenetic location: 11p15.5.
Variant type: single nucleotide variant.
Coding change: c.430C>A on transcript NM_001572.5 (MANE Select); coding-DNA position 430, C replaced by A.
Protein change: p.Pro144Thr; replaces proline 144 with threonine.
Molecular consequence: missense variant.
Genome position (GRCh38, 1-based): chr11:614,499, G>T on the plus strand (C>A on the coding strand, the complement: IRF7 is on the minus strand). VCF-style: chr11-614499-G-T. GRCh37 (hg19) VCF-style: chr11-614499-G-T.
Other names: c.430C>A, p.Pro144Thr (NM_004029.4); c.469C>A, p.Pro157Thr (NM_004031.4); short protein forms P144T, P157T.
Identifiers: ClinVar variation 2159164 (VCV002159164.4), dbSNP rs1241111424, ClinGen allele CA378982572.